The following is an entry in ClinVar:

NM_000260.4(MYO7A):c.19-2A>G

Gene: MYO7A (myosin VIIA; plus strand). Cytogenetic location: 11q13.5.
Variant type: single nucleotide variant.
Coding change: c.19-2A>G on transcript NM_000260.4 (MANE Select); the canonical splice acceptor site of the intron before coding-DNA position 19, A replaced by G.
Molecular consequence: splice acceptor variant.
Genome position (GRCh38, 1-based): chr11:77,142,707, A>G. VCF-style: chr11-77142707-A-G. GRCh37 (hg19) VCF-style: chr11-76853753-A-G.
Other names: c.-15-2A>G (NM_001369365.1); c.19-2A>G (NM_001127180.2).
Identifiers: ClinVar variation 558668 (VCV000558668.3), dbSNP rs1555051384, ClinGen allele CA381947446.

ClinVar aggregate classification (germline): Pathogenic. Review status: criteria provided, single submitter (1 of 4 stars). 2 submissions from 2 submitters: Pathogenic (1). 1 of the submissions does not count toward it. Last evaluated 2026-08-28.

Conditions:
Usher syndrome type 1 (USH1). Also called: RETINITIS PIGMENTOSA AND CONGENITAL DEAFNESS. Identifiers: Orphanet 231169, Orphanet 886, MedGen C1568247, MONDO:0010168, OMIM 276900.
Autosomal recessive nonsyndromic hearing loss 2. Also called: DEAFNESS, AUTOSOMAL RECESSIVE 2; NEUROSENSORY NONSYNDROMIC RECESSIVE DEAFNESS 2. Identifiers: Orphanet 90636, MedGen C1838701, MONDO:0010807, OMIM 600060.

Allele frequency attached by ClinVar (database versions not stated): gnomAD exomes below 0.00001.
gnomAD v4.1: 1 of 1,607,912 alleles (0.000062%); highest among the groups gnomAD compares: Non-Finnish European, 0.000085%; no homozygotes.

Submissions (2):

Myriad Genetics, Inc.
Classification: Pathogenic for Usher syndrome type 1. Last evaluated: 2026-08-28. Review status: criteria provided, single submitter. Criteria: Myriad Autosomal Dominant, Autosomal Recessive and X-Linked Classification Criteria (2023). Collection method: clinical testing. Allele origin: unknown.
Comment: NM_000260.3(MYO7A):c.19-2A>G is a variant in a canonical splice site classified as pathogenic in the context of MYO7A-related disorders. c.19-2A>G has been observed in cases with relevant disease (PMID: 18181211, 27145477, 19074810). Relevant functional assessments of this variant are not available in the literature. c.19-2A>G has not been observed in referenced population frequency databases. In summary, NM_000260.3(MYO7A):c.19-2A>G is a variant in a canonical splice site in a gene where loss of function is a known mechanism of disease and is predicted to disrupt protein function. Please note: this variant was assessed in the context of healthy population screening.

Counsyl
Classification: Pathogenic for Usher syndrome type 1; Autosomal recessive nonsyndromic hearing loss 2. Last evaluated: 2018-06-04. Review status: no assertion criteria provided. Collection method: clinical testing. Allele origin: unknown. Not counted in ClinVar's aggregate classification.

Literature cited by the submitters: PubMed 18181211 (cited by Myriad Genetics, Inc.); PubMed 19074810 (cited by Myriad Genetics, Inc. and Counsyl); PubMed 27145477 (cited by Myriad Genetics, Inc.); PubMed 9171832 (cited by Counsyl).